The following is an entry in ClinVar:

NM_012144.4(DNAI1):c.1846A>G (p.Lys616Glu)

Gene: DNAI1 (dynein axonemal intermediate chain 1; plus strand). Cytogenetic location: 9p13.3.
Variant type: single nucleotide variant.
Coding change: c.1846A>G on transcript NM_012144.4 (MANE Select); coding-DNA position 1846, A replaced by G.
Protein change: p.Lys616Glu; replaces lysine 616 with glutamic acid.
Molecular consequence: missense variant.
Genome position (GRCh38, 1-based): chr9:34,517,312, A>G. VCF-style: chr9-34517312-A-G. GRCh37 (hg19) VCF-style: chr9-34517310-A-G.
Other names: c.1858A>G, p.Lys620Glu (NM_001281428.2); short protein forms K616E, K620E.
Identifiers: ClinVar variation 3503790 (VCV003503790.1).

ClinVar aggregate classification (germline): Uncertain significance (1 of 4 stars; one submission).

Conditions:
Primary ciliary dyskinesia. Also called: Ciliary dyskinesia. Identifiers: Orphanet 244, MedGen C0008780, MONDO:0016575, HP:0012265.

Submission:

Ambry Genetics
Classification: Uncertain significance for Primary ciliary dyskinesia. Last evaluated: 2024-08-28. Review status: criteria provided, single submitter. Criteria: Ambry Variant Classification Scheme 2023. Collection method: clinical testing. Allele origin: germline.
Comment: The p.K616E variant (also known as c.1846A>G), located in coding exon 19 of the DNAI1 gene, results from an A to G substitution at nucleotide position 1846. The lysine at codon 616 is replaced by glutamic acid, an amino acid with similar properties. This amino acid position is conserved. In addition, the in silico prediction for this alteration is inconclusive. Based on the available evidence, the clinical significance of this variant remains unclear.